The following is an entry in ClinVar:

ClinVar aggregate classification (germline): Uncertain significance (1 of 4 stars; one submission).

Conditions:
Hereditary spastic paraplegia 75. Also called: Spastic paraplegia 75, autosomal recessive. Identifiers: Orphanet 459056, MedGen C4225250, MONDO:0014729, OMIM 616680.

Submission:

Labcorp Genetics (formerly Invitae), Labcorp
Classification: Uncertain significance for Hereditary spastic paraplegia 75. Last evaluated: 2022-08-12. Review status: criteria provided, single submitter. Criteria: Invitae Variant Classification Sherloc (09022015). Collection method: clinical testing. Allele origin: germline.
Comment: This sequence change replaces lysine, which is basic and polar, with arginine, which is basic and polar, at codon 604 of the MAG protein (p.Lys604Arg). This variant is not present in population databases (gnomAD no frequency). This variant has not been reported in the literature in individuals affected with MAG-related conditions. Algorithms developed to predict the effect of missense changes on protein structure and function are either unavailable or do not agree on the potential impact of this missense change (SIFT: "Deleterious"; PolyPhen-2: "Probably Damaging"; Align-GVGD: "Class C0"). In summary, the available evidence is currently insufficient to determine the role of this variant in disease. Therefore, it has been classified as a Variant of Uncertain Significance.

NM_002361.4(MAG):c.1811A>G (p.Lys604Arg)

Gene: MAG (myelin associated glycoprotein; plus strand). Cytogenetic location: 19q13.12.
Variant type: single nucleotide variant.
Coding change: c.1811A>G on transcript NM_002361.4 (MANE Select); coding-DNA position 1811, A replaced by G.
Protein change: p.Lys604Arg; replaces lysine 604 with arginine.
Molecular consequence: missense variant. On other transcripts: 3 prime UTR variant (1).
Genome position (GRCh38, 1-based): chr19:35,313,384, A>G. VCF-style: chr19-35313384-A-G. GRCh37 (hg19) VCF-style: chr19-35804287-A-G.
Other names: c.1736A>G, p.Lys579Arg (NM_001199216.2); c.*107A>G (NM_080600.3); short protein forms K579R, K604R.
Identifiers: ClinVar variation 1716280 (VCV001716280.5), dbSNP rs2513606853, ClinGen allele CA405330901.